The following is an entry in ClinVar:

NM_021728.4(OTX2):c.404C>G (p.Thr135Arg)

Gene: OTX2 (orthodenticle homeobox 2; minus strand). Cytogenetic location: 14q22.3.
Variant type: single nucleotide variant.
Coding change: c.404C>G on transcript NM_021728.4 (MANE Select); coding-DNA position 404, C replaced by G.
Protein change: p.Thr135Arg; replaces threonine 135 with arginine.
Molecular consequence: missense variant. On other transcripts: non-coding transcript variant (2).
Genome position (GRCh38, 1-based): chr14:56,802,225, G>C on the plus strand (C>G on the coding strand, the complement: OTX2 is on the minus strand). VCF-style: chr14-56802225-G-C. GRCh37 (hg19) VCF-style: chr14-57268943-G-C.
Other names: c.380C>G, p.Thr127Arg (NM_001270523.2, NM_001270524.2, NM_172337.3); c.404C>G, p.Thr135Arg (NM_001270525.2); short protein forms T127R, T135R.
Identifiers: ClinVar variation 1003933 (VCV001003933.9), dbSNP rs1891915573, ClinGen allele CA390051929.

ClinVar aggregate classification (germline): Uncertain significance (1 of 4 stars; one submission).

Conditions:
Anophthalmia-microphthalmia syndrome. Also called: Anophthalmia/Microphthalmia; Anophthalmia - microphthalmia. Identifiers: Orphanet 98555, MedGen C5680330, MONDO:0020147.

gnomAD v4.1: 1 of 1,614,104 alleles (0.000062%); highest among the groups gnomAD compares: Non-Finnish European, 0.000085%; no homozygotes.

Submission:

Labcorp Genetics (formerly Invitae), Labcorp
Classification: Uncertain significance for Anophthalmia-microphthalmia syndrome. Last evaluated: 2022-09-27. Review status: criteria provided, single submitter. Criteria: Invitae Variant Classification Sherloc (09022015). Collection method: clinical testing. Allele origin: germline.
Comment: In summary, the available evidence is currently insufficient to determine the role of this variant in disease. Therefore, it has been classified as a Variant of Uncertain Significance. Algorithms developed to predict the effect of missense changes on protein structure and function are either unavailable or do not agree on the potential impact of this missense change (SIFT: "Deleterious"; PolyPhen-2: "Benign"; Align-GVGD: "Class C15"). ClinVar contains an entry for this variant (Variation ID: 1003933). This variant has not been reported in the literature in individuals affected with OTX2-related conditions. This sequence change replaces threonine, which is neutral and polar, with arginine, which is basic and polar, at codon 127 of the OTX2 protein (p.Thr127Arg). This variant is not present in population databases (gnomAD no frequency).